The following is an entry in ClinVar:

ClinVar aggregate classification (germline): Uncertain significance. Review status: criteria provided, multiple submitters, no conflicts (2 of 4 stars). 2 submissions from 2 submitters: Uncertain significance (2). Last evaluated 2025-11-26.

Allele frequency attached by ClinVar (database versions not stated): ExAC 0.00002; gnomAD exomes 0.00002 and 0.00003; gnomAD 0.00003 and 0.00004; TOPMed 0.00003.
gnomAD v4.1: 34 of 1,613,786 alleles (0.0021%); highest among the groups gnomAD compares: Admixed American, 0.012%; no homozygotes.

Submissions (2):

Ambry Genetics
Classification: Uncertain significance. Last evaluated: 2025-11-26. Review status: criteria provided, single submitter. Criteria: Ambry Variant Classification Scheme 2023. Collection method: clinical testing. Allele origin: germline.

Labcorp Genetics (formerly Invitae), Labcorp
Classification: Uncertain significance. Last evaluated: 2025-06-27. Review status: criteria provided, single submitter. Criteria: Invitae Variant Classification Sherloc (09022015). Collection method: clinical testing. Allele origin: germline.
Comment: This sequence change replaces proline, which is neutral and non-polar, with threonine, which is neutral and polar, at codon 491 of the MYLK3 protein (p.Pro491Thr). This variant is present in population databases (rs750123468, gnomAD 0.02%). This variant has not been reported in the literature in individuals affected with MYLK3-related conditions. ClinVar contains an entry for this variant (Variation ID: 1407388). An algorithm developed to predict the effect of missense changes on protein structure and function (PolyPhen-2) suggests that this variant is likely to be tolerated. In summary, the available evidence is currently insufficient to determine the role of this variant in disease. Therefore, it has been classified as a Variant of Uncertain Significance.

NM_182493.3(MYLK3):c.1471C>A (p.Pro491Thr)

Gene: MYLK3 (myosin light chain kinase 3; minus strand). Cytogenetic location: 16q11.2.
Variant type: single nucleotide variant.
Coding change: c.1471C>A on transcript NM_182493.3 (MANE Select); coding-DNA position 1471, C replaced by A.
Protein change: p.Pro491Thr; replaces proline 491 with threonine.
Molecular consequence: missense variant.
Genome position (GRCh38, 1-based): chr16:46,730,690, G>T on the plus strand (C>A on the coding strand, the complement: MYLK3 is on the minus strand). VCF-style: chr16-46730690-G-T. GRCh37 (hg19) VCF-style: chr16-46764602-G-T.
Other names: c.1471C>A (NM_182493.2); c.448C>A, p.Pro150Thr (NM_001308301.1); short protein forms P491T, P150T.
Identifiers: ClinVar variation 1407388 (VCV001407388.8), dbSNP rs750123468, ClinGen allele CA8037968.
Genomic context (GRCh38, chr16:46,730,690, plus strand): 5'-CAGAGATGGAGGTCTCCTTGACGCTCACTACCCGGTGTTCAAAAGGAGCTGGTGGGGCCG[G>T]ACTGTCATCTGCTCAGGAGGCAATAAGGACCTGTGAGCCTCCTCTGTGCAGCCCACACCT-3'
Protein context (NP_872299.2, residues 481-501): EAGSVVLDDS[Pro491Thr]APPAPFEHRV